The following is an entry in ClinVar:

NC_000015.10:g.79411508A>G

Genes: MINAR1 (membrane integral NOTCH2 associated receptor 1; plus strand), TMED3 (transmembrane p24 trafficking protein 3; plus strand). Cytogenetic location: 15q25.1.
Variant type: single nucleotide variant.
Molecular consequence: 3 prime UTR variant (on NM_001330376.2).
Genome position: GRCh38 VCF-style: chr15-79411508-A-G. GRCh37 (hg19) VCF-style: chr15-79703850-A-G.
Other names: c.*4A>G (NM_001330376.2).
Identifiers: ClinVar variation 3053767 (VCV003053767.2), dbSNP rs1220013217, ClinGen allele CA2629847883.

ClinVar aggregate classification (germline): Likely benign (0 of 4 stars; one submission).

Conditions:
TMED3-related disorder. Also called: TMED3-related condition.

gnomAD v4.1: 2 of 702,014 alleles (0.00028%); highest among the groups gnomAD compares: Non-Finnish European, 0.00052%; no homozygotes.

Submission:

PreventionGenetics, part of Exact Sciences
Classification: Likely benign for TMED3-related condition. Last evaluated: 2022-05-06. Review status: no assertion criteria provided. Collection method: clinical testing. Allele origin: germline.
Comment: This variant is classified as likely benign based on ACMG/AMP sequence variant interpretation guidelines (Richards et al. 2015 PMID: 25741868, with internal and published modifications).